The following is an entry in ClinVar:

ClinVar aggregate classification (germline): Uncertain significance (1 of 4 stars; one submission).

Conditions:
Juvenile polyposis syndrome (JPS). Identifiers: Orphanet 2929, MedGen C0345893, MONDO:0017380, OMIM 174900.

Allele frequency attached by ClinVar (database versions not stated): gnomAD exomes below 0.00001; gnomAD 0.00001.
gnomAD v4.1: 2 of 1,613,236 alleles (0.00012%); highest among the groups gnomAD compares: East Asian, 0.0045%; no homozygotes.

Submission:

Labcorp Genetics (formerly Invitae), Labcorp
Classification: Uncertain significance for Juvenile polyposis syndrome. Last evaluated: 2024-04-29. Review status: criteria provided, single submitter. Criteria: Invitae Variant Classification Sherloc (09022015). Collection method: clinical testing. Allele origin: germline.
Comment: This sequence change replaces lysine, which is basic and polar, with threonine, which is neutral and polar, at codon 371 of the BMPR1A protein (p.Lys371Thr). This variant is present in population databases (no rsID available, gnomAD 0.01%). This missense change has been observed in individual(s) with BMPR1A-related conditions (PMID: 36271359). ClinVar contains an entry for this variant (Variation ID: 648574). Advanced modeling performed at Invitae incorporating data from internal and/or published experimental studies (Invitae) indicates that this missense variant is not expected to disrupt BMPR1A function with a negative predictive value of 95%. In summary, the available evidence is currently insufficient to determine the role of this variant in disease. Therefore, it has been classified as a Variant of Uncertain Significance.

Literature cited by the submitters: PubMed 36271359.

NM_004329.3(BMPR1A):c.1112A>C (p.Lys371Thr)

Gene: BMPR1A (bone morphogenetic protein receptor type 1A; plus strand). Cytogenetic location: 10q23.2.
Variant type: single nucleotide variant.
Coding change: c.1112A>C on transcript NM_004329.3 (MANE Select); coding-DNA position 1112, A replaced by C.
Protein change: p.Lys371Thr; replaces lysine 371 with threonine.
Molecular consequence: missense variant.
Genome position (GRCh38, 1-based): chr10:86,919,415, A>C. VCF-style: chr10-86919415-A-C. GRCh37 (hg19) VCF-style: chr10-88679172-A-C.
Other names: short protein forms K371T.
Identifiers: ClinVar variation 648574 (VCV000648574.8), dbSNP rs1490421596, ClinGen allele CA377460925.
Genomic context (GRCh38, chr10:86,919,415, plus strand): 5'-GCACCCAAGGAAAGCCCGCAATTGCTCATCGAGACCTAAAGAGCAAAAACATCCTCATCA[A>C]GAAAAATGGGAGTTGCTGCATTGCTGACCTGGGCCTTGCTGTTAAATTCAACAGGTGAGT-3'
Protein context (NP_004320.2, residues 361-381): RDLKSKNILI[Lys371Thr]KNGSCCIADL